The following is an entry in ClinVar:

ClinVar aggregate classification (germline): Pathogenic (1 of 4 stars; one submission).

Conditions:
Pseudohypoaldosteronism type 2E (PHA2E). Also called: Pseudohypoaldosteronism Type IIE. Identifiers: Orphanet 300530, Orphanet 757, MedGen C3469606, MONDO:0013782, OMIM 614496.

Submission:

MVZ Medizinische Genetik Mainz
Classification: Pathogenic for Pseudohypoaldosteronism type 2E. Last evaluated: 2024-04-23. Review status: criteria provided, single submitter. Criteria: UK Practice Guidelines For Variant Classification V4 01 2020. Collection method: clinical testing. Allele origin: germline. Inheritance: Autosomal dominant inheritance. Affected: yes. Observed: 1 variant allele.
Comment: ACMG Criteria: PM5,PM6,PP3_MOD,PS4_SUP,PM1_SUP,PM2_SUP,PP4

NM_003590.5(CUL3):c.1376A>T (p.Lys459Met)

Gene: CUL3 (cullin 3; minus strand). Cytogenetic location: 2q36.2.
Variant type: single nucleotide variant.
Coding change: c.1376A>T on transcript NM_003590.5 (MANE Select); coding-DNA position 1376, A replaced by T.
Protein change: p.Lys459Met; replaces lysine 459 with methionine.
Molecular consequence: missense variant.
Genome position (GRCh38, 1-based): chr2:224,503,653, T>A on the plus strand (A>T on the coding strand, the complement: CUL3 is on the minus strand). VCF-style: chr2-224503653-T-A. GRCh37 (hg19) VCF-style: chr2-225368370-T-A.
Other names: c.1178A>T, p.Lys393Met (NM_001257197.2); c.1394A>T, p.Lys465Met (NM_001257198.2); short protein forms K393M, K459M, K465M.
Identifiers: ClinVar variation 4857248 (VCV004857248.1).